The following is an entry in ClinVar:

ClinVar aggregate classification (germline): Uncertain significance (1 of 4 stars; one submission).

Allele frequency attached by ClinVar (database versions not stated): gnomAD exomes below 0.00001; ExAC 0.00001.
gnomAD v4.1: 4 of 1,612,896 alleles (0.00025%); highest among the groups gnomAD compares: African/African-American, 0.004%; no homozygotes.

Submission:

Labcorp Genetics (formerly Invitae), Labcorp
Classification: Uncertain significance. Last evaluated: 2022-07-05. Review status: criteria provided, single submitter. Criteria: Invitae Variant Classification Sherloc (09022015). Collection method: clinical testing. Allele origin: germline.
Comment: This sequence change replaces methionine, which is neutral and non-polar, with valine, which is neutral and non-polar, at codon 604 of the TRAF3IP1 protein (p.Met604Val). This variant is present in population databases (rs758802016, gnomAD 0.007%). This variant has not been reported in the literature in individuals affected with TRAF3IP1-related conditions. ClinVar contains an entry for this variant (Variation ID: 1477489). Algorithms developed to predict the effect of missense changes on protein structure and function are either unavailable or do not agree on the potential impact of this missense change (SIFT: "Tolerated"; PolyPhen-2: "Possibly Damaging"; Align-GVGD: "Class C0"). In summary, the available evidence is currently insufficient to determine the role of this variant in disease. Therefore, it has been classified as a Variant of Uncertain Significance.

NM_015650.4(TRAF3IP1):c.1810A>G (p.Met604Val)

Gene: TRAF3IP1 (TRAF3 interacting protein 1; plus strand). Cytogenetic location: 2q37.3.
Variant type: single nucleotide variant.
Coding change: c.1810A>G on transcript NM_015650.4 (MANE Select); coding-DNA position 1810, A replaced by G.
Protein change: p.Met604Val; replaces methionine 604 with valine.
Molecular consequence: missense variant.
Genome position (GRCh38, 1-based): chr2:238,397,579, A>G. VCF-style: chr2-238397579-A-G. GRCh37 (hg19) VCF-style: chr2-239306220-A-G.
Other names: c.1612A>G, p.Met538Val (NM_001139490.1); short protein forms M538V, M604V.
Identifiers: ClinVar variation 1477489 (VCV001477489.6), dbSNP rs758802016, ClinGen allele CA2198583.